The following is an entry in ClinVar:

ClinVar aggregate classification (germline): Benign (1 of 4 stars; one submission).

Allele frequency attached by ClinVar (database versions not stated): TOPMed 0.40278; gnomAD 0.38975; 1000 Genomes Project 0.40954; 1000 Genomes Project 30x 0.40615.
gnomAD v4.1: 61,205 of 152,016 alleles (40%); highest among the groups gnomAD compares: Admixed American, 58%; 13,529 homozygotes.

Submission:

GeneDx
Classification: Benign. Last evaluated: 2018-06-18. Review status: criteria provided, single submitter. Criteria: GeneDx Variant Classification (06012015). Collection method: clinical testing. Allele origin: germline. Affected: yes.
Comment: This variant is considered likely benign or benign based on one or more of the following criteria: it is a conservative change, it occurs at a poorly conserved position in the protein, it is predicted to be benign by multiple in silico algorithms, and/or has population frequency not consistent with disease.

NM_000093.5(COL5A1):c.786+271G>C

Gene: COL5A1 (collagen type V alpha 1 chain; plus strand). Cytogenetic location: 9q34.3.
Variant type: single nucleotide variant.
Coding change: c.786+271G>C on transcript NM_000093.5 (MANE Select); 271 bases into the intron after coding-DNA position 786, G replaced by C.
Molecular consequence: intron variant.
Genome position (GRCh38, 1-based): chr9:134,727,668, G>C. VCF-style: chr9-134727668-G-C. GRCh37 (hg19) VCF-style: chr9-137619514-G-C.
Other names: c.786+271G>C (NM_001278074.1).
Identifiers: ClinVar variation 683374 (VCV000683374.1), dbSNP rs3128587, ClinGen allele CA12975112.